The following is an entry in ClinVar:

NM_002860.4(ALDH18A1):c.*699C>T

Gene: ALDH18A1 (aldehyde dehydrogenase 18 family member A1; minus strand). Cytogenetic location: 10q24.1.
Variant type: single nucleotide variant.
Coding change: c.*699C>T on transcript NM_002860.4 (MANE Select); 699 bases downstream of the stop codon, C replaced by T.
Molecular consequence: 3 prime UTR variant.
Genome position (GRCh38, 1-based): chr10:95,606,063, G>A on the plus strand (C>T on the coding strand, the complement: ALDH18A1 is on the minus strand). VCF-style: chr10-95606063-G-A. GRCh37 (hg19) VCF-style: chr10-97365820-G-A.
Other names: c.*699C>T (NM_001017423.2, NM_001323412.2, NM_001323413.2 and 6 more transcripts).
Identifiers: ClinVar variation 301746 (VCV000301746.6), dbSNP rs4037, ClinGen allele CA10636968.

ClinVar aggregate classification (germline): Benign. Review status: criteria provided, multiple submitters, no conflicts (2 of 4 stars). 2 submissions from 2 submitters: Benign (2). Last evaluated 2018-01-12.

Conditions:
ALDH18A1-related de Barsy syndrome. Also called: Cutis laxa, autosomal recessive IIIA; DE BARSY SYNDROME A. Identifiers: Orphanet 2962, Orphanet 35664, MedGen C5234852, MONDO:0009053, OMIM 219150.

Allele frequency attached by ClinVar (database versions not stated): 1000 Genomes Project 0.20048; 1000 Genomes Project 30x 0.20800; gnomAD 0.27700 and 0.28027; TOPMed 0.28065; gnomAD exomes 0.36885.

Submissions (2):

Illumina Laboratory Services, Illumina
Classification: Benign for ALDH18A1-related de Barsy syndrome. Last evaluated: 2018-01-12. Review status: criteria provided, single submitter. Criteria: ICSL Variant Classification Criteria 13 December 2019. Collection method: clinical testing. Allele origin: germline.
Comment: This variant was observed in the ICSL laboratory as part of a predisposition screen in an ostensibly healthy population. It had not been previously curated by ICSL or reported in the Human Gene Mutation Database (HGMD: prior to June 1st, 2018), and was therefore a candidate for classification through an automated scoring system. Utilizing variant allele frequency, disease prevalence and penetrance estimates, and inheritance mode, an automated score was calculated to assess if this variant is too frequent to cause the disease. Based on the score and internal cut-off values, a variant classified as benign is not then subjected to further curation. The score for this variant resulted in a classification of benign for this disease.

Breakthrough Genomics
Classification: Benign. Review status: criteria provided, single submitter. Criteria: ACMG Guidelines, 2015. Collection method: not provided. Allele origin: germline. Inheritance: Autosomal recessive inheritance. Affected: yes.